The following is an entry in ClinVar:

NM_006790.3(MYOT):c.1369C>A (p.Arg457=)

Genes: MYOT (myotilin; plus strand), PKD2L2-DT (PKD2L2 divergent transcript; minus strand). Cytogenetic location: 5q31.2.
Variant type: single nucleotide variant.
Coding change: c.1369C>A on transcript NM_006790.3 (MANE Select); coding-DNA position 1369, C replaced by A.
Protein change: p.Arg457=; no amino-acid change (arginine 457 retained).
Molecular consequence: synonymous variant.
Genome position (GRCh38, 1-based): chr5:137,887,257, C>A. VCF-style: chr5-137887257-C-A. GRCh37 (hg19) VCF-style: chr5-137222946-C-A.
Other names: c.817C>A, p.Arg273= (NM_001135940.2); c.1024C>A, p.Arg342= (NM_001300911.2).
Identifiers: ClinVar variation 2782972 (VCV002782972.3), dbSNP rs754082516, ClinGen allele CA3423185.

ClinVar aggregate classification (germline): Uncertain significance (1 of 4 stars; one submission).

Conditions:
Myofibrillar myopathy 3 (MFM3). Also called: Autosomal dominant spheroid body myopathy; Muscular dystrophy, proximal, type 1A. Identifiers: Orphanet 266, Orphanet 268129, MedGen C3714934, MONDO:0012215, OMIM 609200.

Allele frequency attached by ClinVar (database versions not stated): ExAC 0.00001.
gnomAD v4.1: 8 of 1,613,988 alleles (0.0005%); highest among the groups gnomAD compares: East Asian, 0.013%; no homozygotes.

Submission:

Labcorp Genetics (formerly Invitae), Labcorp
Classification: Uncertain significance for Myofibrillar myopathy 3. Last evaluated: 2023-04-20. Review status: criteria provided, single submitter. Criteria: Invitae Variant Classification Sherloc (09022015). Collection method: clinical testing. Allele origin: germline.
Comment: This sequence change affects codon 457 of the MYOT mRNA. It is a 'silent' change, meaning that it does not change the encoded amino acid sequence of the MYOT protein. This variant is present in population databases (rs754082516, gnomAD 0.006%). This variant has not been reported in the literature in individuals affected with MYOT-related conditions. Algorithms developed to predict the effect of sequence changes on RNA splicing suggest that this variant may disrupt the consensus splice site. In summary, the available evidence is currently insufficient to determine the role of this variant in disease. Therefore, it has been classified as a Variant of Uncertain Significance.